The following is an entry in ClinVar:

ClinVar aggregate classification (germline): Likely benign. Review status: criteria provided, multiple submitters, no conflicts (2 of 4 stars). 3 submissions from 3 submitters: Likely benign (3). Last evaluated 2026-05-10.

Conditions:
TTN-related disorder. Also called: TTN-related disorders; TTN-related condition; TTN-related disease.
Dilated cardiomyopathy 1G (CMD1G). Identifiers: Orphanet 154, MedGen C1858763, MONDO:0011400, OMIM 604145.
Autosomal recessive limb-girdle muscular dystrophy type 2J (LGMDR10). Also called: MUSCULAR DYSTROPHY, LIMB-GIRDLE, AUTOSOMAL RECESSIVE 10; Limb-girdle muscular dystrophy, type 2J. Identifiers: Orphanet 140922, MedGen C1837342, MONDO:0012127, OMIM 608807.

Allele frequency attached by ClinVar (database versions not stated): gnomAD exomes 0.00003 and 0.00005; gnomAD 0.00004; TOPMed 0.00005; ExAC 0.00007; 1000 Genomes Project 30x 0.00016; 1000 Genomes Project 0.00020.
gnomAD v4.1: 72 of 1,496,740 alleles (0.0048%); highest among the groups gnomAD compares: Middle Eastern, 0.035%; 1 homozygote.

Submissions (3):

PreventionGenetics, part of Exact Sciences
Classification: Likely benign for TTN-related condition. Last evaluated: 2026-05-10. Review status: criteria provided, single submitter. Criteria: ACMG Guidelines, 2015. Collection method: clinical testing. Allele origin: germline.
Comment: This variant is classified as likely benign based on ACMG/AMP sequence variant interpretation guidelines (Richards et al. 2015 PMID: 25741868, with internal and published modifications).

Labcorp Genetics (formerly Invitae), Labcorp
Classification: Likely benign for Dilated cardiomyopathy 1G; Autosomal recessive limb-girdle muscular dystrophy type 2J. Last evaluated: 2025-10-19. Review status: criteria provided, single submitter. Criteria: Invitae Variant Classification Sherloc (09022015). Collection method: clinical testing. Allele origin: germline.

Blueprint Genetics
Classification: Likely benign. Last evaluated: 2024-02-02. Review status: criteria provided, single submitter. Criteria: ACMG Guidelines, 2015. Collection method: clinical testing. Allele origin: germline.

NM_001267550.2(TTN):c.40057+9C>T

Gene: TTN (titin; minus strand). Cytogenetic location: 2q31.2.
Variant type: single nucleotide variant.
Coding change: c.40057+9C>T on transcript NM_001267550.2 (MANE Select); 9 bases into the intron after coding-DNA position 40057, C replaced by T.
Molecular consequence: intron variant.
Genome position (GRCh38, 1-based): chr2:178,649,239, G>A on the plus strand (C>T on the coding strand, the complement: TTN is on the minus strand). VCF-style: chr2-178649239-G-A. GRCh37 (hg19) VCF-style: chr2-179513966-G-A.
Other names: c.13283-6922C>T (NM_003319.4); c.13859-6922C>T (NM_133437.4); c.13658-6922C>T (NM_133432.3); c.32593+578C>T (NM_133378.4); c.35374+578C>T (NM_001256850.1).
Identifiers: ClinVar variation 695973 (VCV000695973.13), dbSNP rs181316033, ClinGen allele CA1996542.